The following is an entry in ClinVar:

NM_052867.4(NALCN):c.5T>A (p.Leu2His)

Gene: NALCN (sodium leak channel, non-selective; minus strand). Cytogenetic location: 13q33.1.
Variant type: single nucleotide variant.
Coding change: c.5T>A on transcript NM_052867.4 (MANE Select); coding-DNA position 5, T replaced by A.
Protein change: p.Leu2His; replaces leucine 2 with histidine.
Molecular consequence: missense variant.
Genome position (GRCh38, 1-based): chr13:101,399,122, A>T on the plus strand (T>A on the coding strand, the complement: NALCN is on the minus strand). VCF-style: chr13-101399122-A-T. GRCh37 (hg19) VCF-style: chr13-102051473-A-T.
Other names: c.5T>A, p.Leu2His (NM_001350748.2, NM_001350749.2, NM_001350750.2 and 1 more transcripts); short protein forms L2H.
Identifiers: ClinVar variation 3767802 (VCV003767802.1).

ClinVar aggregate classification (germline): Uncertain significance (1 of 4 stars; one submission).

gnomAD v4.1: 1 of 1,613,194 alleles (0.000062%); highest among the groups gnomAD compares: East Asian, 0.0022%; no homozygotes.

Submission:

GeneDx
Classification: Uncertain significance. Last evaluated: 2024-09-04. Review status: criteria provided, single submitter. Criteria: GeneDx Variant Classification Process June 2021. Collection method: clinical testing. Allele origin: germline. Affected: yes.
Comment: Not observed at significant frequency in large population cohorts (gnomAD); In silico analysis supports that this missense variant has a deleterious effect on protein structure/function; Has not been previously published as pathogenic or benign to our knowledge